The following is an entry in ClinVar:

NM_020232.5(PSMG2):c.640A>C (p.Ile214Leu)

Gene: PSMG2 (proteasome assembly chaperone 2; plus strand). Cytogenetic location: 18p11.21.
Variant type: single nucleotide variant.
Coding change: c.640A>C on transcript NM_020232.5 (MANE Select); coding-DNA position 640, A replaced by C.
Protein change: p.Ile214Leu; replaces isoleucine 214 with leucine.
Molecular consequence: missense variant.
Genome position (GRCh38, 1-based): chr18:12,724,557, A>C. VCF-style: chr18-12724557-A-C. GRCh37 (hg19) VCF-style: chr18-12724556-A-C.
Other names: c.547A>C, p.Ile183Leu (NM_147163.2); short protein forms I214L, I183L.
Identifiers: ClinVar variation 5005860 (VCV005005860.2).
Genomic context (GRCh38, chr18:12,724,557, plus strand): 5'-AGCTGTTCTAAAGAAATCCAAATGGCAGTTCTGCTGAAATTTGTTTCAGAAGGGGACAAC[A>C]TCCCAGATGCATTAGGTCTTGTTGAGTATCTTAATGAGTGGCTTCAGATACTCAAACCAC-3'
Protein context (NP_064617.2, residues 204-224): LLKFVSEGDN[Ile214Leu]PDALGLVEYL

ClinVar aggregate classification (germline): Uncertain significance (1 of 4 stars; one submission).

Conditions:
Proteasome-associated autoinflammatory syndrome 4. Identifiers: MedGen C5543053, MONDO:0030931, OMIM 619183.

gnomAD v4.1: 6 of 1,611,304 alleles (0.00037%); highest among the groups gnomAD compares: East Asian, 0.011%; no homozygotes.

Submission:

Juno Genomics, Hangzhou Juno Genomics, Inc
Classification: Uncertain significance for Proteasome-associated autoinflammatory syndrome 4. Review status: criteria provided, single submitter. Criteria: ACMG Guidelines, 2015. Collection method: clinical testing. Allele origin: germline.
Comment: Absent from controls (or at extremely low frequency if recessive) in Genome Aggregation Database.